The following is an entry in ClinVar:

NM_002470.4(MYH3):c.2926-8C>T

Gene: MYH3 (myosin heavy chain 3; minus strand). Cytogenetic location: 17p13.1.
Variant type: single nucleotide variant.
Coding change: c.2926-8C>T on transcript NM_002470.4 (MANE Select); 8 bases into the intron before coding-DNA position 2926, C replaced by T.
Molecular consequence: intron variant.
Genome position (GRCh38, 1-based): chr17:10,639,482, G>A on the plus strand (C>T on the coding strand, the complement: MYH3 is on the minus strand). VCF-style: chr17-10639482-G-A. GRCh37 (hg19) VCF-style: chr17-10542799-G-A.
Identifiers: ClinVar variation 258677 (VCV000258677.46), dbSNP rs188588330, ClinGen allele CA8392648.

ClinVar aggregate classification (germline): Benign/Likely benign. Review status: criteria provided, multiple submitters, no conflicts (2 of 4 stars). 9 submissions from 8 submitters: Benign (2); Likely benign (4). 3 of the submissions do not count toward it. Last evaluated 2026-03-01.

Conditions:
MYH3-related disorder. Also called: MYH3-Related Disorders; MYH3-related condition. Identifiers: MedGen CN239329.
Freeman-Sheldon syndrome (DA2A). Also called: CRANIOCARPOTARSAL DYSPLASIA; CRANIOCARPOTARSAL DYSTROPHY; WHISTLING FACE-WINDMILL VANE HAND SYNDROME; Arthrogryposis, distal, type 2A (Freeman-Sheldon). Identifiers: Orphanet 2053, MedGen C0265224, MONDO:0008675, OMIM 193700.
Distal arthrogryposis type 2B1 (DA2B1). Also called: Arthrogryposis multiplex congenita distal type II with craniofacial abnormalities. Identifiers: Orphanet 1147, MedGen C5193014, MONDO:0020820, OMIM 601680.

Allele frequency attached by ClinVar (database versions not stated): 1000 Genomes Project 30x 0.00031; 1000 Genomes Project 0.00040; ESP Exome Variant Server 0.00238; TOPMed 0.00249; gnomAD 0.00265 and 0.00296.
gnomAD v4.1: 4,975 of 1,614,004 alleles (0.31%); highest among the groups gnomAD compares: Middle Eastern, 0.5%; 10 homozygotes.

Submissions (9):

CeGaT Center for Human Genetics Tuebingen
Classification: Likely benign. Last evaluated: 2026-03-01. Review status: criteria provided, single submitter. Criteria: CeGaT Center For Human Genetics Tuebingen Variant Classification Criteria Version 2. Collection method: clinical testing. Allele origin: germline. Affected: yes. Observed: 4 variant alleles.
Comment: MYH3: BP4, BS2

Labcorp Genetics (formerly Invitae), Labcorp
Classification: Benign. Last evaluated: 2026-01-27. Review status: criteria provided, single submitter. Criteria: Invitae Variant Classification Sherloc (09022015). Collection method: clinical testing. Allele origin: germline.

Blueprint Genetics
Classification: Likely benign. Last evaluated: 2024-11-27. Review status: criteria provided, single submitter. Criteria: ACMG Guidelines, 2015. Collection method: clinical testing. Allele origin: germline.

Illumina Laboratory Services, Illumina
Classification: Likely benign for Distal arthrogryposis type 2B1. Last evaluated: 2018-01-13. Review status: criteria provided, single submitter. Criteria: ICSL Variant Classification Criteria 13 December 2019. Collection method: clinical testing. Allele origin: germline.
Comment: This variant was observed in the ICSL laboratory as part of a predisposition screen in an ostensibly healthy population. It had not been previously curated by ICSL or reported in the Human Gene Mutation Database (HGMD: prior to June 1st, 2018), and was therefore a candidate for classification through an automated scoring system. Utilizing variant allele frequency, disease prevalence and penetrance estimates, and inheritance mode, an automated score was calculated to assess if this variant is too frequent to cause the disease. Based on the score and internal cut-off values, a variant classified as likely benign is not then subjected to further curation. The score for this variant resulted in a classification of likely benign for this disease.

Illumina Laboratory Services, Illumina
Classification: Benign for Freeman-Sheldon syndrome. Last evaluated: 2018-01-13. Review status: criteria provided, single submitter. Criteria: ICSL Variant Classification Criteria 13 December 2019. Collection method: clinical testing. Allele origin: germline.
Comment: This variant was observed in the ICSL laboratory as part of a predisposition screen in an ostensibly healthy population. It had not been previously curated by ICSL or reported in the Human Gene Mutation Database (HGMD: prior to June 1st, 2018), and was therefore a candidate for classification through an automated scoring system. Utilizing variant allele frequency, disease prevalence and penetrance estimates, and inheritance mode, an automated score was calculated to assess if this variant is too frequent to cause the disease. Based on the score and internal cut-off values, a variant classified as benign is not then subjected to further curation. The score for this variant resulted in a classification of benign for this disease.

Breakthrough Genomics
Classification: Likely benign. Review status: criteria provided, single submitter. Criteria: ACMG Guidelines, 2015. Collection method: not provided. Allele origin: germline. Inheritance: Autosomal recessive inheritance. Affected: yes.

PreventionGenetics, part of Exact Sciences
Classification: Likely benign for MYH3-related condition. Last evaluated: 2019-06-24. Review status: no assertion criteria provided. Collection method: clinical testing. Allele origin: germline. Not counted in ClinVar's aggregate classification.
Comment: This variant is classified as likely benign based on ACMG/AMP sequence variant interpretation guidelines (Richards et al. 2015 PMID: 25741868, with internal and published modifications).

Clinical Genetics DNA and cytogenetics Diagnostics Lab, Erasmus MC, Erasmus Medical Center
Classification: Likely benign. Review status: no assertion criteria provided. Collection method: clinical testing. Allele origin: germline. Affected: yes. Study: VKGL Data-share Consensus. Not counted in ClinVar's aggregate classification.

Laboratory of Diagnostic Genome Analysis, Leiden University Medical Center (LUMC)
Classification: Likely benign. Review status: no assertion criteria provided. Collection method: clinical testing. Allele origin: germline. Affected: yes. Study: VKGL Data-share Consensus. Not counted in ClinVar's aggregate classification.